The following is an entry in ClinVar:

ClinVar aggregate classification (germline): Uncertain significance (1 of 4 stars; one submission).

Allele frequency attached by ClinVar (database versions not stated): gnomAD 0.00001.
gnomAD v4.1: 11 of 1,612,780 alleles (0.00068%); highest among the groups gnomAD compares: Middle Eastern, 0.016%; no homozygotes.

Submission:

Labcorp Genetics (formerly Invitae), Labcorp
Classification: Uncertain significance. Last evaluated: 2021-02-17. Review status: criteria provided, single submitter. Criteria: Invitae Variant Classification Sherloc (09022015). Collection method: clinical testing. Allele origin: germline.
Comment: This sequence change falls in intron 12 of the PTPN23 gene. It does not directly change the encoded amino acid sequence of the PTPN23 protein. It affects a nucleotide within the consensus splice site of the intron. This variant is not present in population databases (ExAC no frequency). This variant has not been reported in the literature in individuals with PTPN23-related conditions. Nucleotide substitutions within the consensus splice site are a relatively common cause of aberrant splicing (PMID: 17576681, 9536098). Algorithms developed to predict the effect of sequence changes on RNA splicing suggest that this variant is not likely to affect RNA splicing, but this prediction has not been confirmed by published transcriptional studies. In summary, the available evidence is currently insufficient to determine the role of this variant in disease. Therefore, it has been classified as a Variant of Uncertain Significance.

Literature cited by the submitters: PubMed 17576681; PubMed 9536098.

NM_015466.4(PTPN23):c.1004-3C>T

Gene: PTPN23 (protein tyrosine phosphatase non-receptor type 23; plus strand). Cytogenetic location: 3p21.31.
Variant type: single nucleotide variant.
Coding change: c.1004-3C>T on transcript NM_015466.4 (MANE Select); 3 bases into the intron before coding-DNA position 1004, C replaced by T.
Molecular consequence: intron variant.
Genome position (GRCh38, 1-based): chr3:47,407,694, C>T. VCF-style: chr3-47407694-C-T. GRCh37 (hg19) VCF-style: chr3-47449184-C-T.
Other names: c.626-3C>T (NM_001304482.2).
Identifiers: ClinVar variation 1373223 (VCV001373223.6), dbSNP rs1336886744, ClinGen allele CA543043053.
Genomic context (GRCh38, chr3:47,407,694, plus strand): 5'-GACACAGGAGGCTGCCTCAAGGACTCTGCGTGGGCCTGATCTCCACAATTCCCACCCCCC[C>T]AGGAGCCCCCTTGGTGAAGCCCTTGCCAGTGAACCCCACAGACCCAGCTGTTACAGGCCC-3'